The following is an entry in ClinVar:

NM_001374259.2(IL12RB2):c.1964C>A (p.Ala655Glu)

Gene: IL12RB2 (interleukin 12 receptor subunit beta 2; plus strand). Cytogenetic location: 1p31.3.
Variant type: single nucleotide variant.
Coding change: c.1964C>A on transcript NM_001374259.2 (MANE Select); coding-DNA position 1964, C replaced by A.
Protein change: p.Ala655Glu; replaces alanine 655 with glutamic acid.
Molecular consequence: missense variant. On other transcripts: non-coding transcript variant (2), intron variant (3).
Genome position (GRCh38, 1-based): chr1:67,390,046, C>A. VCF-style: chr1-67390046-C-A. GRCh37 (hg19) VCF-style: chr1-67855729-C-A.
Other names: c.1706C>A, p.Ala569Glu (NM_001258215.1); c.1964C>A, p.Ala655Glu (NM_001559.3); c.1946+3377C>A (NM_001258214.1, NM_001319233.1); c.1856-5501C>A (NM_001258216.1); short protein forms A569E, A655E.
Identifiers: ClinVar variation 1378221 (VCV001378221.6), dbSNP rs536463256, ClinGen allele CA900627.

ClinVar aggregate classification (germline): Uncertain significance (1 of 4 stars; one submission).

Allele frequency attached by ClinVar (database versions not stated): gnomAD 0.00002; ExAC 0.00005; 1000 Genomes Project 0.00020; gnomAD exomes 0.00003 and 0.00004; 1000 Genomes Project 30x 0.00062.
gnomAD v4.1: 32 of 1,299,368 alleles (0.0025%); highest among the groups gnomAD compares: South Asian, 0.037%; 2 homozygotes.

Submission:

Labcorp Genetics (formerly Invitae), Labcorp
Classification: Uncertain significance. Last evaluated: 2021-11-26. Review status: criteria provided, single submitter. Criteria: Invitae Variant Classification Sherloc (09022015). Collection method: clinical testing. Allele origin: germline.
Comment: In summary, the available evidence is currently insufficient to determine the role of this variant in disease. Therefore, it has been classified as a Variant of Uncertain Significance. Experimental studies have shown that this missense change does not substantially affect IL12RB2 function (PMID: 30578351). Algorithms developed to predict the effect of missense changes on protein structure and function output the following: SIFT: "Tolerated"; PolyPhen-2: "Benign"; Align-GVGD: "Class C0". The glutamic acid amino acid residue is found in multiple mammalian species, which suggests that this missense change does not adversely affect protein function. This variant has not been reported in the literature in individuals affected with IL12RB2-related conditions. This variant is present in population databases (rs536463256, gnomAD 0.03%). This sequence change replaces alanine, which is neutral and non-polar, with glutamic acid, which is acidic and polar, at codon 655 of the IL12RB2 protein (p.Ala655Glu).

Literature cited by the submitters: PubMed 30578351.